The following is an entry in ClinVar:

ClinVar aggregate classification (germline): Conflicting classifications of pathogenicity. Review status: criteria provided, conflicting classifications (1 of 4 stars). 2 submissions from 2 submitters: Likely pathogenic (1); Uncertain significance (1). Last evaluated 2025-10-23.

Conditions:
Factor V and factor VIII, combined deficiency of, type 1. Also called: Combined factor V and VIII deficiency; FAMILIAL MULTIPLE COAGULATION FACTOR DEFICIENCY I; MULTIPLE COAGULATION FACTOR DEFICIENCY I; FMFD I. Identifiers: Orphanet 35909, MedGen C4551981, MONDO:0009206, OMIM 227300.

Submissions (2):

Mayo Clinic Laboratories, Mayo Clinic
Classification: Uncertain significance. Last evaluated: 2025-10-23. Review status: criteria provided, single submitter. Criteria: ACMG Guidelines, 2015. Collection method: clinical testing. Allele origin: germline. Observed: 1 variant allele.
Comment: PM2_supporting

Genomic Medicine Center of Excellence, King Faisal Specialist Hospital and Research Centre
Classification: Likely pathogenic for Factor V and factor VIII, combined deficiency of, type 1. Last evaluated: 2025-09-10. Review status: criteria provided, single submitter. Criteria: ACMG Guidelines, 2015. Collection method: clinical testing. Allele origin: germline.

NM_001377304.1(GFI1B):c.887G>T (p.Arg296Leu)

Gene: GFI1B (growth factor independent 1B transcriptional repressor; plus strand). Cytogenetic location: 9q34.13.
Variant type: single nucleotide variant.
Coding change: c.887G>T on transcript NM_001377304.1 (MANE Select); coding-DNA position 887, G replaced by T.
Protein change: p.Arg296Leu; replaces arginine 296 with leucine.
Molecular consequence: missense variant.
Genome position (GRCh38, 1-based): chr9:132,990,944, G>T. VCF-style: chr9-132990944-G-T. GRCh37 (hg19) VCF-style: chr9-135866331-G-T.
Other names: p.Arg296Leu; c.887G>T (NM_004188.7); c.749G>T, p.Arg250Leu (NM_001135031.2, NM_001377305.1); c.953G>T, p.Arg318Leu (NM_001371908.1); c.887G>T, p.Arg296Leu (NM_004188.8); short protein forms R250L, R296L, R318L.
Identifiers: ClinVar variation 4278325 (VCV004278325.2).